The following is an entry in ClinVar:

ClinVar aggregate classification (germline): Uncertain significance (1 of 4 stars; one submission).

gnomAD v4.1: 7 of 1,613,908 alleles (0.00043%); highest among the groups gnomAD compares: Non-Finnish European, 0.00059%; no homozygotes.

Submission:

GeneDx
Classification: Uncertain significance. Last evaluated: 2024-05-06. Review status: criteria provided, single submitter. Criteria: GeneDx Variant Classification Process June 2021. Collection method: clinical testing. Allele origin: germline. Affected: yes.
Comment: Not observed at significant frequency in large population cohorts (gnomAD); In silico analysis supports that this missense variant has a deleterious effect on protein structure/function; Has not been previously published as pathogenic or benign to our knowledge

NM_020442.6(VARS2):c.597G>T (p.Trp199Cys)

Gene: VARS2 (valyl-tRNA synthetase 2, mitochondrial; plus strand). Cytogenetic location: 6p21.33.
Variant type: single nucleotide variant.
Coding change: c.597G>T on transcript NM_020442.6 (MANE Select); coding-DNA position 597, G replaced by T.
Protein change: p.Trp199Cys; replaces tryptophan 199 with cysteine.
Molecular consequence: missense variant.
Genome position (GRCh38, 1-based): chr6:30,916,175, G>T. VCF-style: chr6-30916175-G-T. GRCh37 (hg19) VCF-style: chr6-30883952-G-T.
Other names: c.177G>T, p.Trp59Cys (NM_001167733.3); c.687G>T, p.Trp229Cys (NM_001167734.2); short protein forms W199C, W229C, W59C.
Identifiers: ClinVar variation 3375859 (VCV003375859.1).